The following is an entry in ClinVar:

NM_016038.4(SBDS):c.274G>A (p.Glu92Lys)

Gene: SBDS (SBDS ribosome maturation factor; minus strand). Cytogenetic location: 7q11.21.
Variant type: single nucleotide variant.
Coding change: c.274G>A on transcript NM_016038.4 (MANE Select); coding-DNA position 274, G replaced by A.
Protein change: p.Glu92Lys; replaces glutamic acid 92 with lysine.
Molecular consequence: missense variant.
Genome position (GRCh38, 1-based): chr7:66,993,402, C>T on the plus strand (G>A on the coding strand, the complement: SBDS is on the minus strand). VCF-style: chr7-66993402-C-T. GRCh37 (hg19) VCF-style: chr7-66458389-C-T.
Other names: short protein forms E92K.
Identifiers: ClinVar variation 3792702 (VCV003792702.1).

ClinVar aggregate classification (germline): Uncertain significance (1 of 4 stars; one submission).

Conditions:
Inborn genetic diseases. Identifiers: MedGen C0950123, MeSH D030342.

Submission:

Ambry Genetics
Classification: Uncertain significance for Inborn genetic diseases. Last evaluated: 2024-12-22. Review status: criteria provided, single submitter. Criteria: Ambry Variant Classification Scheme 2023. Collection method: clinical testing. Allele origin: germline.
Comment: The p.E92K variant (also known as c.274G>A), located in coding exon 3 of the SBDS gene, results from a G to A substitution at nucleotide position 274. The glutamic acid at codon 92 is replaced by lysine, an amino acid with similar properties. This amino acid position is conserved. In addition, this alteration is predicted to be deleterious by in silico analysis. Based on the available evidence, the clinical significance of this variant remains unclear.